The following is an entry in ClinVar:

NM_182548.4(LHFPL5):c.250del (p.Pro83_Leu84insTer)

Gene: LHFPL5 (LHFPL tetraspan subfamily member 5; plus strand). Cytogenetic location: 6p21.31.
Variant type: Deletion.
Coding change: c.250del on transcript NM_182548.4 (MANE Select); coding-DNA position 250, one base deleted (C; older notation c.250delC).
Protein change: p.Pro83_Leu84insTer.
Molecular consequence: nonsense.
Genome position (GRCh38, 1-based): chr6:35,805,920, C deleted; the last of 5 consecutive C bases (chr6:35,805,916-35,805,920); deleting any one gives the same sequence. VCF-style (leftmost placement, unchanged base first): chr6-35805915-GC-G. GRCh37 (hg19) VCF-style: chr6-35773692-GC-G.
Other names: c.250delC (NM_182548.3).
Identifiers: ClinVar variation 1694 (VCV000001694.4), dbSNP rs779841884, ClinGen allele CA3774365.

ClinVar aggregate classification (germline): Pathogenic. Review status: criteria provided, single submitter (1 of 4 stars). 3 submissions from 3 submitters: Pathogenic (1). 2 of the submissions do not count toward it. Last evaluated 2020-05-21.

Conditions:
Autosomal recessive nonsyndromic hearing loss 67. Identifiers: Orphanet 90636, MedGen C1853223, MONDO:0012460, OMIM 610265.
Hearing loss, autosomal recessive. Also called: Rare autosomal recessive non-syndromic sensorineural deafness type DFNB; Autosomal recessive nonsyndromic deafness; Nonsyndromic Hearing Loss, Recessive; Deafness, autosomal recessive. Identifiers: Orphanet 90635, Orphanet 90636, MedGen C1846647, MONDO:0019588, OMIM 607197.

Submissions (3):

Victorian Clinical Genetics Services, Murdoch Childrens Research Institute
Classification: Pathogenic for Autosomal recessive nonsyndromic hearing loss 67. Last evaluated: 2020-05-21. Review status: criteria provided, single submitter. Criteria: ACMG Guidelines, 2015. Collection method: clinical testing. Allele origin: germline. Inheritance: Autosomal recessive inheritance. Affected: yes.
Comment: Based on the classification scheme VCGS_Germline_v1.1.1, this variant is classified as Pathogenic. Following criteria are met: 0102 - Loss-of-function is a known mechanism of disease for this gene. (N) 0106 - This gene is known to be associated with autosomal recessive disease. (N) 0201 - Variant is predicted to cause nonsense-mediated decay (NMD) and loss of protein (exon 1 of 4). (P) 0252 - Variant is homozygous. (N) 0304 - Variant is present in gnomAD <0.01 for a recessive condition (2 Heterozygotes, 0 Homozygotes). (P) 0703 - Comparable variants have moderate previous evidence for pathogenicity (LOVD, PMID: 30177809, PMID: 30298622) (P) 0802 - Moderate previous evidence of pathogenicity in unrelated individuals. (ClinVar, PMID: 16459341, PMID: 30177809) (P) 0901 - Strong evidence for segregation with disease (PMID: 16459341, PMID: 30177809) (P) 1007 - No published functional evidence has been identified for this variant. (N) 1208 - Inheritance information for this variant is not currently available. (N) Legend: (P) - Pathogenic, (N) - Neutral, (B) - Benign

OMIM
Classification: Pathogenic for DEAFNESS, AUTOSOMAL RECESSIVE 67. Last evaluated: 2006-08-01. Review status: no assertion criteria provided. Collection method: literature only. Allele origin: germline. Not counted in ClinVar's aggregate classification.

University of Washington Center for Mendelian Genomics, University of Washington
Classification: Likely pathogenic for non-syndromic autosomal recessive hearing loss. Review status: no assertion criteria provided. Collection method: research. Allele origin: inherited. Affected: yes. Not counted in ClinVar's aggregate classification.

Literature cited by the submitters: PubMed 16459341 (cited by Victorian Clinical Genetics Services, Murdoch Childrens Research Institute and OMIM); PubMed 30177809 (cited by Victorian Clinical Genetics Services, Murdoch Childrens Research Institute); PubMed 30298622 (cited by Victorian Clinical Genetics Services, Murdoch Childrens Research Institute); PubMed 30303587 (cited by University of Washington Center for Mendelian Genomics, University of Washington).